The following is an entry in ClinVar:

NM_000539.3(RHO):c.808A>C (p.Ser270Arg)

Gene: RHO (rhodopsin; plus strand). Cytogenetic location: 3q22.1.
Variant type: single nucleotide variant.
Coding change: c.808A>C on transcript NM_000539.3 (MANE Select); coding-DNA position 808, A replaced by C.
Protein change: p.Ser270Arg; replaces serine 270 with arginine.
Molecular consequence: missense variant.
Genome position (GRCh38, 1-based): chr3:129,532,644, A>C. VCF-style: chr3-129532644-A-C. GRCh37 (hg19) VCF-style: chr3-129251487-A-C.
Other names: short protein forms S270R.
Identifiers: ClinVar variation 866244 (VCV000866244.9), dbSNP rs2084789677, ClinGen allele CA16609650.

ClinVar aggregate classification (germline): Pathogenic/Likely pathogenic. Review status: criteria provided, multiple submitters, no conflicts (2 of 4 stars). 2 submissions from 2 submitters: Pathogenic (1); Likely pathogenic (1). Last evaluated 2025-12-01.

Conditions:
RHO-related disorder. Also called: RHO-related condition.

Submissions (2):

Labcorp Genetics (formerly Invitae), Labcorp
Classification: Pathogenic. Last evaluated: 2025-12-01. Review status: criteria provided, single submitter. Criteria: Invitae Variant Classification Sherloc (09022015). Collection method: clinical testing. Allele origin: germline.
Comment: This sequence change replaces serine, which is neutral and polar, with arginine, which is basic and polar, at codon 270 of the RHO protein (p.Ser270Arg). This variant is not present in population databases (gnomAD no frequency). This missense change has been observed in individuals with autosomal dominant retinitis pigmentosa (PMID: 11139241, 30718709, 31908405; internal data). ClinVar contains an entry for this variant (Variation ID: 866244). Invitae Evidence Modeling of protein sequence and biophysical properties (such as structural, functional, and spatial information, amino acid conservation, physicochemical variation, residue mobility, and thermodynamic stability) indicates that this missense variant is expected to disrupt RHO protein function with a positive predictive value of 95%. Experimental studies have shown that this missense change affects RHO function (PMID: 30977563). For these reasons, this variant has been classified as Pathogenic.

Blueprint Genetics
Classification: Likely pathogenic for RHO-related disorders. Last evaluated: 2018-12-27. Review status: criteria provided, single submitter. Criteria: ACMG Guidelines, 2015. Collection method: clinical testing. Allele origin: germline. Affected: yes. Observed: 1 variant allele.

Literature cited by the submitters: PubMed 11139241 (cited by Labcorp Genetics (formerly Invitae), Labcorp); PubMed 30718709 (cited by Labcorp Genetics (formerly Invitae), Labcorp); PubMed 31908405 (cited by Labcorp Genetics (formerly Invitae), Labcorp); PubMed 30977563 (cited by Labcorp Genetics (formerly Invitae), Labcorp).